The following is an entry in ClinVar:

ClinVar aggregate classification (germline): Uncertain significance (1 of 4 stars; one submission).

Allele frequency attached by ClinVar (database versions not stated): gnomAD exomes 0.00001; TOPMed 0.00001; gnomAD 0.00001.

Submission:

Ambry Genetics
Classification: Uncertain significance. Last evaluated: 2025-10-22. Review status: criteria provided, single submitter. Criteria: Ambry Variant Classification Scheme 2023. Collection method: clinical testing. Allele origin: germline.
Comment: The p.G5S variant (also known as c.13G>A), located in coding exon 1 of the RINT1 gene, results from a G to A substitution at nucleotide position 13. The glycine at codon 5 is replaced by serine, an amino acid with similar properties. This amino acid position is well conserved in available vertebrate species. In addition, this alteration is predicted to be tolerated by in silico analysis. Since supporting evidence is limited at this time, the clinical significance of this alteration remains unclear.

NM_021930.6(RINT1):c.13G>A (p.Gly5Ser)

Gene: RINT1 (RAD50 interactor 1; plus strand). Cytogenetic location: 7q22.3.
Variant type: single nucleotide variant.
Coding change: c.13G>A on transcript NM_021930.6 (MANE Select); coding-DNA position 13, G replaced by A.
Protein change: p.Gly5Ser; replaces glycine 5 with serine.
Molecular consequence: missense variant. On other transcripts: 5 prime UTR variant (4), non-coding transcript variant (1).
Genome position (GRCh38, 1-based): chr7:105,532,328, G>A. VCF-style: chr7-105532328-G-A. GRCh37 (hg19) VCF-style: chr7-105172775-G-A.
Other names: c.-85G>A (NM_001346599.2); c.-1007G>A (NM_001346600.2); c.-910G>A (NM_001346601.2); c.-530G>A (NM_001346603.2); short protein forms G5S.
Identifiers: ClinVar variation 1771765 (VCV001771765.3), dbSNP rs1464081656, ClinGen allele CA368798960.